The following is an entry in ClinVar:

NM_001321967.2(ATAD1):c.204G>T (p.Lys68Asn)

Gene: ATAD1 (ATPase family AAA domain containing 1; minus strand). Cytogenetic location: 10q23.31.
Variant type: single nucleotide variant.
Coding change: c.204G>T on transcript NM_001321967.2 (MANE Select); coding-DNA position 204, G replaced by T.
Protein change: p.Lys68Asn; replaces lysine 68 with asparagine.
Molecular consequence: missense variant. On other transcripts: 5 prime UTR variant (1), non-coding transcript variant (1).
Genome position (GRCh38, 1-based): chr10:87,792,714, C>A on the plus strand (G>T on the coding strand, the complement: ATAD1 is on the minus strand). VCF-style: chr10-87792714-C-A. GRCh37 (hg19) VCF-style: chr10-89552471-C-A.
Other names: c.204G>T, p.Lys68Asn (NM_001321968.2, NM_032810.4); c.-244G>T (NM_001321969.2); c.204G>T (NM_032810.2); short protein forms K68N.
Identifiers: ClinVar variation 1507324 (VCV001507324.4), dbSNP rs899530214, ClinGen allele CA211267777.

ClinVar aggregate classification (germline): Uncertain significance. Review status: criteria provided, multiple submitters, no conflicts (2 of 4 stars). 2 submissions from 2 submitters: Uncertain significance (2). Last evaluated 2025-04-14.

Conditions:
Inborn genetic diseases. Identifiers: MedGen C0950123, MeSH D030342.

Allele frequency attached by ClinVar (database versions not stated): gnomAD exomes below 0.00001 and 0.00002; gnomAD 0.00001 and 0.00002; TOPMed 0.00002.
gnomAD v4.1: 31 of 1,613,624 alleles (0.0019%); highest among the groups gnomAD compares: Non-Finnish European, 0.0025%; no homozygotes.

Submissions (2):

Ambry Genetics
Classification: Uncertain significance for Inborn genetic diseases. Last evaluated: 2025-04-14. Review status: criteria provided, single submitter. Criteria: Ambry Variant Classification Scheme 2023. Collection method: clinical testing. Allele origin: germline.

Labcorp Genetics (formerly Invitae), Labcorp
Classification: Uncertain significance. Last evaluated: 2022-06-15. Review status: criteria provided, single submitter. Criteria: Invitae Variant Classification Sherloc (09022015). Collection method: clinical testing. Allele origin: germline.
Comment: This sequence change replaces lysine, which is basic and polar, with asparagine, which is neutral and polar, at codon 68 of the ATAD1 protein (p.Lys68Asn). This variant is present in population databases (no rsID available, gnomAD 0.0009%). This variant has not been reported in the literature in individuals affected with ATAD1-related conditions. Algorithms developed to predict the effect of missense changes on protein structure and function are either unavailable or do not agree on the potential impact of this missense change (SIFT: "Not Available"; PolyPhen-2: "Benign"; Align-GVGD: "Not Available"). In summary, the available evidence is currently insufficient to determine the role of this variant in disease. Therefore, it has been classified as a Variant of Uncertain Significance.